The following is an entry in ClinVar:

ClinVar aggregate classification (germline): Uncertain significance (1 of 4 stars; one submission).

Allele frequency attached by ClinVar (database versions not stated): gnomAD 0.00001; TOPMed 0.00001.
gnomAD v4.1: 10 of 1,613,928 alleles (0.00062%); highest among the groups gnomAD compares: Middle Eastern, 0.049%; 1 homozygote.

Submission:

Labcorp Genetics (formerly Invitae), Labcorp
Classification: Uncertain significance. Last evaluated: 2020-12-12. Review status: criteria provided, single submitter. Criteria: Invitae Variant Classification Sherloc (09022015). Collection method: clinical testing. Allele origin: germline.
Comment: This sequence change replaces arginine with glutamine at codon 191 of the SLCO5A1 protein (p.Arg191Gln). The arginine residue is moderately conserved and there is a small physicochemical difference between arginine and glutamine. This variant is not present in population databases (ExAC no frequency). This variant has not been reported in the literature in individuals with SLCO5A1-related conditions. Algorithms developed to predict the effect of missense changes on protein structure and function are either unavailable or do not agree on the potential impact of this missense change (SIFT: "Deleterious"; PolyPhen-2: "Benign"; Align-GVGD: "Class C0"). Algorithms developed to predict the effect of sequence changes on RNA splicing suggest that this variant may create or strengthen a splice site, but this prediction has not been confirmed by published transcriptional studies. In summary, the available evidence is currently insufficient to determine the role of this variant in disease. Therefore, it has been classified as a Variant of Uncertain Significance.

NM_030958.3(SLCO5A1):c.572G>A (p.Arg191Gln)

Gene: SLCO5A1 (solute carrier organic anion transporter family member 5A1; minus strand). Cytogenetic location: 8q13.3.
Variant type: single nucleotide variant.
Coding change: c.572G>A on transcript NM_030958.3 (MANE Select); coding-DNA position 572, G replaced by A.
Protein change: p.Arg191Gln; replaces arginine 191 with glutamine.
Molecular consequence: missense variant.
Genome position (GRCh38, 1-based): chr8:69,832,102, C>T on the plus strand (G>A on the coding strand, the complement: SLCO5A1 is on the minus strand). VCF-style: chr8-69832102-C-T. GRCh37 (hg19) VCF-style: chr8-70744337-C-T.
Other names: c.572G>A, p.Arg191Gln (NM_001146008.2, NM_001146009.1); short protein forms R191Q.
Identifiers: ClinVar variation 1388653 (VCV001388653.8), dbSNP rs1821180173, ClinGen allele CA371269303.